The following is an entry in ClinVar:

NM_014140.4(SMARCAL1):c.176G>C (p.Arg59Thr)

Gene: SMARCAL1 (SNF2 related chromatin remodeling annealing helicase 1; plus strand). Cytogenetic location: 2q35.
Variant type: single nucleotide variant.
Coding change: c.176G>C on transcript NM_014140.4 (MANE Select); coding-DNA position 176, G replaced by C.
Protein change: p.Arg59Thr; replaces arginine 59 with threonine.
Molecular consequence: missense variant.
Genome position (GRCh38, 1-based): chr2:216,414,880, G>C. VCF-style: chr2-216414880-G-C. GRCh37 (hg19) VCF-style: chr2-217279603-G-C.
Other names: c.176G>C, p.Arg59Thr (NM_001127207.2); short protein forms R59T.
Identifiers: ClinVar variation 2183985 (VCV002183985.2), dbSNP rs760506303, ClinGen allele CA350496705.
Genomic context (GRCh38, chr2:216,414,880, plus strand): 5'-GCACCTCCATTGCTGGCAACCCATTCCAGGCCAAGCAAGGCCCATCCCAAAATTTCCCAA[G>C]GGAGTCTTGTAAGCCAGTGAGCCATGGTGTCATTTTCAAGCAACAGAATCTCAGTAGCTC-3'
Protein context (NP_054859.2, residues 49-69): AKQGPSQNFP[Arg59Thr]ESCKPVSHGV

ClinVar aggregate classification (germline): Uncertain significance. Review status: criteria provided, single submitter (1 of 4 stars). 2 submissions from 2 submitters: Uncertain significance (1). 1 of the submissions does not count toward it. Last evaluated 2022-05-04.

Conditions:
Schimke immuno-osseous dysplasia (SIOD). Also called: Schimke Immunoosseous Dysplasia. Identifiers: Orphanet 1830, MedGen C0877024, MONDO:0009458, OMIM 242900.

Submissions (2):

Labcorp Genetics (formerly Invitae), Labcorp
Classification: Uncertain significance for Schimke immuno-osseous dysplasia. Last evaluated: 2022-05-04. Review status: criteria provided, single submitter. Criteria: Invitae Variant Classification Sherloc (09022015). Collection method: clinical testing. Allele origin: germline.
Comment: This sequence change replaces arginine, which is basic and polar, with threonine, which is neutral and polar, at codon 59 of the SMARCAL1 protein (p.Arg59Thr). This variant is present in population databases (no rsID available, gnomAD 0.006%). This variant has not been reported in the literature in individuals affected with SMARCAL1-related conditions. Algorithms developed to predict the effect of missense changes on protein structure and function (SIFT, PolyPhen-2, Align-GVGD) all suggest that this variant is likely to be tolerated. Algorithms developed to predict the effect of sequence changes on RNA splicing suggest that this variant may create or strengthen a splice site. In summary, the available evidence is currently insufficient to determine the role of this variant in disease. Therefore, it has been classified as a Variant of Uncertain Significance.

Natera, Inc.
Classification: Uncertain significance for Schimke immuno-osseous dysplasia. Last evaluated: 2025-03-21. Review status: no assertion criteria provided. Collection method: clinical testing. Allele origin: germline. Not counted in ClinVar's aggregate classification.